The following is an entry in ClinVar:

NM_001184880.2(PCDH19):c.496T>G (p.Tyr166Asp)

Gene: PCDH19 (protocadherin 19; minus strand). Cytogenetic location: Xq22.1.
Variant type: single nucleotide variant.
Coding change: c.496T>G on transcript NM_001184880.2 (MANE Select); coding-DNA position 496, T replaced by G.
Protein change: p.Tyr166Asp; replaces tyrosine 166 with aspartic acid.
Molecular consequence: missense variant.
Genome position (GRCh38, 1-based): chrX:100,408,102, A>C on the plus strand (T>G on the coding strand, the complement: PCDH19 is on the minus strand). VCF-style: chrX-100408102-A-C. GRCh37 (hg19) VCF-style: chrX-99663100-A-C.
Other names: c.496T>G, p.Tyr166Asp (NM_001105243.2, NM_020766.3); short protein forms Y166D.
Identifiers: ClinVar variation 2765982 (VCV002765982.3), dbSNP rs2520993906, ClinGen allele CA414009500.

ClinVar aggregate classification (germline): Pathogenic (1 of 4 stars; one submission).

Conditions:
Developmental and epileptic encephalopathy, 9 (DEE9). Also called: EPILEPSY, FEMALE-RESTRICTED, WITH MENTAL RETARDATION; PCDH19-Related X-Linked Female-Limited Epilepsy with Mental Retardation; Early infantile epileptic encephalopathy 9; JUBERG-HELLMAN SYNDROME. Identifiers: Orphanet 101039, Orphanet 2076, MedGen C1848137, MONDO:0010246, OMIM 300088. Disease mechanism: loss of function.

Submission:

Labcorp Genetics (formerly Invitae), Labcorp
Classification: Pathogenic for Developmental and epileptic encephalopathy, 9. Last evaluated: 2024-09-01. Review status: criteria provided, single submitter. Criteria: Invitae Variant Classification Sherloc (09022015). Collection method: clinical testing. Allele origin: germline.
Comment: This sequence change replaces tyrosine, which is neutral and polar, with aspartic acid, which is acidic and polar, at codon 166 of the PCDH19 protein (p.Tyr166Asp). This variant is not present in population databases (gnomAD no frequency). This missense change has been observed in individual(s) with clinical features of developmental and epileptic encephalopathy (internal data). In at least one individual the variant was observed to be de novo. Invitae Evidence Modeling of protein sequence and biophysical properties (such as structural, functional, and spatial information, amino acid conservation, physicochemical variation, residue mobility, and thermodynamic stability) indicates that this missense variant is expected to disrupt PCDH19 protein function with a positive predictive value of 95%. For these reasons, this variant has been classified as Pathogenic.